The following is an entry in ClinVar:

NM_000153.4(GALC):c.44A>G (p.Lys15Arg)

Gene: GALC (galactosylceramidase; minus strand). Cytogenetic location: 14q31.3.
Variant type: single nucleotide variant.
Coding change: c.44A>G on transcript NM_000153.4 (MANE Select); coding-DNA position 44, A replaced by G.
Protein change: p.Lys15Arg; replaces lysine 15 with arginine.
Molecular consequence: missense variant. On other transcripts: 5 prime UTR variant (3), non-coding transcript variant (1), intron variant (2).
Genome position (GRCh38, 1-based): chr14:87,993,121, T>C on the plus strand (A>G on the coding strand, the complement: GALC is on the minus strand). VCF-style: chr14-87993121-T-C. GRCh37 (hg19) VCF-style: chr14-88459465-T-C.
Other names: c.44A>G, p.Lys15Arg (NM_001201401.2); c.-227A>G (NM_001424072.1); c.-393A>G (NM_001424075.1); c.-624A>G (NM_001424077.1); c.-473+262A>G (NM_001424076.1); c.117+262A>G (NM_001201402.2); short protein forms K15R.
Identifiers: ClinVar variation 2781638 (VCV002781638.3), dbSNP rs776345221, ClinGen allele CA7297523.

ClinVar aggregate classification (germline): Uncertain significance (1 of 4 stars; one submission).

Conditions:
Galactosylceramide beta-galactosidase deficiency. Also called: Leukodystrophy, Globoid Cell; GALACTOCEREBROSIDASE DEFICIENCY; GALC DEFICIENCY; GLOBOID CELL LEUKOENCEPHALOPATHY; Krabbe Disease. Identifiers: Orphanet 487, MedGen C0023521, MONDO:0009499, OMIM 245200.

Allele frequency attached by ClinVar (database versions not stated): gnomAD exomes 0.00001; ExAC 0.00003.
gnomAD v4.1: 11 of 1,588,282 alleles (0.00069%); highest among the groups gnomAD compares: South Asian, 0.011%; no homozygotes.

Submission:

Labcorp Genetics (formerly Invitae), Labcorp
Classification: Uncertain significance for Galactosylceramide beta-galactosidase deficiency. Last evaluated: 2023-12-11. Review status: criteria provided, single submitter. Criteria: Invitae Variant Classification Sherloc (09022015). Collection method: clinical testing. Allele origin: germline.
Comment: This sequence change replaces lysine, which is basic and polar, with arginine, which is basic and polar, at codon 15 of the GALC protein (p.Lys15Arg). This variant is present in population databases (rs776345221, gnomAD 0.02%). This variant has not been reported in the literature in individuals affected with GALC-related conditions. Advanced modeling of protein sequence and biophysical properties (such as structural, functional, and spatial information, amino acid conservation, physicochemical variation, residue mobility, and thermodynamic stability) performed at Invitae indicates that this missense variant is not expected to disrupt GALC protein function with a negative predictive value of 95%. In summary, the available evidence is currently insufficient to determine the role of this variant in disease. Therefore, it has been classified as a Variant of Uncertain Significance.